The following is an entry in ClinVar:

NM_000135.4(FANCA):c.4298G>A (p.Ser1433Asn)

Genes: FANCA (FA complementation group A; minus strand), ZNF276 (zinc finger protein 276; plus strand). Cytogenetic location: 16q24.3.
Variant type: single nucleotide variant.
Coding change: c.4298G>A on transcript NM_000135.4 (MANE Select); coding-DNA position 4298, G replaced by A.
Protein change: p.Ser1433Asn; replaces serine 1433 with asparagine.
Molecular consequence: missense variant. On other transcripts: 3 prime UTR variant (3), non-coding transcript variant (4).
Genome position (GRCh38, 1-based): chr16:89,738,671, C>T on the plus strand (G>A on the coding strand, the complement: FANCA is on the minus strand). VCF-style: chr16-89738671-C-T. GRCh37 (hg19) VCF-style: chr16-89805079-C-T.
Other names: c.*27G>A (NM_001286167.3); c.*425C>T (NM_001113525.2, NM_152287.4); short protein forms S1433N.
Identifiers: ClinVar variation 1370009 (VCV001370009.5), dbSNP rs747310276, ClinGen allele CA8250586.

ClinVar aggregate classification (germline): Uncertain significance (1 of 4 stars; one submission).

Conditions:
Fanconi anemia (FA). Also called: Fanconi's anemia. Identifiers: Orphanet 84, MedGen C0015625, MeSH D005199, MONDO:0019391.

Allele frequency attached by ClinVar (database versions not stated): ExAC 0.00001; gnomAD exomes 0.00001.
gnomAD v4.1: 13 of 1,613,792 alleles (0.00081%); highest among the groups gnomAD compares: South Asian, 0.014%; no homozygotes.

Submission:

Labcorp Genetics (formerly Invitae), Labcorp
Classification: Uncertain significance for Fanconi anemia. Last evaluated: 2024-04-16. Review status: criteria provided, single submitter. Criteria: Invitae Variant Classification Sherloc (09022015). Collection method: clinical testing. Allele origin: germline.
Comment: This sequence change replaces serine, which is neutral and polar, with asparagine, which is neutral and polar, at codon 1433 of the FANCA protein (p.Ser1433Asn). This variant is present in population databases (rs747310276, gnomAD 0.006%). This variant has not been reported in the literature in individuals affected with FANCA-related conditions. ClinVar contains an entry for this variant (Variation ID: 1370009). Advanced modeling of protein sequence and biophysical properties (such as structural, functional, and spatial information, amino acid conservation, physicochemical variation, residue mobility, and thermodynamic stability) performed at Invitae indicates that this missense variant is not expected to disrupt FANCA protein function with a negative predictive value of 95%. In summary, the available evidence is currently insufficient to determine the role of this variant in disease. Therefore, it has been classified as a Variant of Uncertain Significance.